The following is an entry in ClinVar:

NM_001384479.1(AGT):c.817G>A (p.Val273Ile)

Gene: AGT (angiotensinogen; minus strand). Cytogenetic location: 1q42.2.
Variant type: single nucleotide variant.
Coding change: c.817G>A on transcript NM_001384479.1 (MANE Select); coding-DNA position 817, G replaced by A.
Protein change: p.Val273Ile; replaces valine 273 with isoleucine.
Molecular consequence: missense variant.
Genome position (GRCh38, 1-based): chr1:230,710,007, C>T on the plus strand (G>A on the coding strand, the complement: AGT is on the minus strand). VCF-style: chr1-230710007-C-T. GRCh37 (hg19) VCF-style: chr1-230845753-C-T.
Other names: c.817G>A, p.Val273Ile (NM_001382817.3); short protein forms V273I.
Identifiers: ClinVar variation 2175735 (VCV002175735.3), dbSNP rs374407232, ClinGen allele CA1448219.
Genomic context (GRCh38, chr1:230,710,007, plus strand): 5'-TTGGATACTAAGTCCTAGGGCCAGAGCCAGCAGAGAGGTTTGCCTTACCTTGGAAGTGGA[C>T]GTAGGTGTTGAAAGCCAGGGTGCTGTCCACACTGGCTCCCATCAGGGAGCAGCCAGTCTT-3'
Protein context (NP_001371408.1, residues 263-283): VDSTLAFNTY[Val273Ile]HFQGKMKGFS

ClinVar aggregate classification (germline): Uncertain significance. Review status: criteria provided, multiple submitters, no conflicts (2 of 4 stars). 3 submissions from 3 submitters: Uncertain significance (3). Last evaluated 2025-12-12.

Conditions:
Renal tubular dysgenesis of genetic origin. Also called: PRIMITIVE RENAL TUBULE SYNDROME. Identifiers: Orphanet 97369, MedGen C5681536, MONDO:0009970, OMIM 267430.

Allele frequency attached by ClinVar (database versions not stated): gnomAD exomes 0.00001; ExAC 0.00003; ESP Exome Variant Server 0.00015; gnomAD 0.00019; TOPMed 0.00020.

Submissions (3):

Clinical Genomics Laboratory, Washington University in St. Louis
Classification: Uncertain significance for Renal tubular dysgenesis of genetic origin. Last evaluated: 2025-12-12. Review status: criteria provided, single submitter. Criteria: ACMG Guidelines, 2015. Collection method: clinical testing. Allele origin: germline.
Comment: An AGT c.817G>A (p.Val273Ile) variant was identified in a heterozygous state. This variant, to our knowledge, has not been reported in the medical literature. This variant has been reported in the ClinVar database as a germline variant of uncertain significance by two submitters (Variation ID: 2175735). It is only observed on 13/282,680 alleles in the general population (gnomAD v2.1.1), indicating it is not a common variant. Computational predictors are uncertain as to the impact of this variant on AGT function. Due to limited information, and based on ACMG/AMP guidelines for variant interpretation (Richards S et al., PMID: 25741868), the clinical significance of this variant is uncertain at this time.

Fulgent Genetics
Classification: Uncertain significance for Renal tubular dysgenesis of genetic origin. Last evaluated: 2024-03-06. Review status: criteria provided, single submitter. Criteria: ACMG Guidelines, 2015. Collection method: clinical testing. Allele origin: germline.

Labcorp Genetics (formerly Invitae), Labcorp
Classification: Uncertain significance. Last evaluated: 2022-03-04. Review status: criteria provided, single submitter. Criteria: Invitae Variant Classification Sherloc (09022015). Collection method: clinical testing. Allele origin: germline.
Comment: This sequence change replaces valine, which is neutral and non-polar, with isoleucine, which is neutral and non-polar, at codon 282 of the AGT protein (p.Val282Ile). This variant is present in population databases (rs374407232, gnomAD 0.05%). This variant has not been reported in the literature in individuals affected with AGT-related conditions. Advanced modeling of protein sequence and biophysical properties (such as structural, functional, and spatial information, amino acid conservation, physicochemical variation, residue mobility, and thermodynamic stability) performed at Invitae indicates that this missense variant is not expected to disrupt AGT protein function. In summary, the available evidence is currently insufficient to determine the role of this variant in disease. Therefore, it has been classified as a Variant of Uncertain Significance.